The following is an entry in ClinVar:

ClinVar aggregate classification (germline): Pathogenic. Review status: criteria provided, multiple submitters, no conflicts (2 of 4 stars). 10 submissions from 10 submitters: Pathogenic (8). 2 of the submissions do not count toward it. Last evaluated 2025-10-27.

Conditions:
Zellweger spectrum disorders (ZS). Also called: Zellweger syndrome; Zellweger Spectrum Disorder; Zellweger Spectrum; Zellweger Spectrum Disorder (ZSD). Identifiers: Orphanet 912, MedGen C0043459, MONDO:0019609.
PEX1-related disorder. Also called: PEX1-related condition.
Heimler syndrome 1 (HMLR1). Also called: PEROXISOME BIOGENESIS DISORDER 1C. Identifiers: Orphanet 3220, MedGen C4551980, OMIM 234580, MONDO:0024544.
Retinal dystrophy. Also called: Inherited retinal dystrophy. Identifiers: Orphanet 71862, MedGen C0854723, MeSH D058499, MONDO:0019118, HP:0000556.
Peroxisome biogenesis disorder. Identifiers: Orphanet 79189, MedGen C1832200, MONDO:0019234. Disease mechanism: loss of function.
Peroxisome biogenesis disorder 1A (Zellweger) (PBD1A). Also called: Zellweger leukodystrophy; Peroxisome biogenesis disorder 1a. Identifiers: MedGen C4721541, MONDO:0008953, OMIM 214100.

Allele frequency attached by ClinVar (database versions not stated): gnomAD exomes 0.00001; ExAC 0.00002; gnomAD 0.00002; TOPMed 0.00002.

Submissions (10):

Natera, Inc.
Classification: Pathogenic for Zellweger syndrome. Last evaluated: 2025-10-27. Review status: criteria provided, single submitter. Criteria: Natera Variant Classification Schema (03/2026). Collection method: clinical testing. Allele origin: germline.
Comment: The c.2730delA variant in PEX1 is a frameshift variant predicted to shift the reading frame beginning at codon 910 and leads to a stop codon 51 codons downstream. This variant is expected to result in nonsense mediated decay, truncation, or a dysfunctional protein product. This variant is rare in the general population with a frequency below the threshold expected for the associated phenotype(s). This variant has been observed to segregate in affected family members (PMID: 11389485). Given the available evidence, this variant is classified as Pathogenic.

Blueprint Genetics
Classification: Pathogenic for PEX1-related disorders. Last evaluated: 2024-05-29. Review status: criteria provided, single submitter. Criteria: ACMG Guidelines, 2015. Collection method: clinical testing. Allele origin: germline. Affected: yes. Observed: 3 variant alleles.

Baylor Genetics
Classification: Pathogenic for Heimler syndrome 1. Last evaluated: 2024-01-09. Review status: criteria provided, single submitter. Criteria: ACMG Guidelines, 2015. Collection method: clinical testing. Allele origin: unknown.

Labcorp Genetics (formerly Invitae), Labcorp
Classification: Pathogenic for Zellweger spectrum disorders. Last evaluated: 2024-01-04. Review status: criteria provided, single submitter. Criteria: Invitae Variant Classification Sherloc (09022015). Collection method: clinical testing. Allele origin: germline.
Comment: This sequence change creates a premature translational stop signal (p.Leu910Phefs*51) in the PEX1 gene. It is expected to result in an absent or disrupted protein product. Loss-of-function variants in PEX1 are known to be pathogenic (PMID: 21031596, 26387595, 31831025). This variant is present in population databases (rs61750423, gnomAD 0.002%). This premature translational stop signal has been observed in individual(s) with Zellweger syndrome (PMID: 11389485, 16141001). ClinVar contains an entry for this variant (Variation ID: 188971). For these reasons, this variant has been classified as Pathogenic.

GeneDx
Classification: Pathogenic. Last evaluated: 2023-11-30. Review status: criteria provided, single submitter. Criteria: GeneDx Variant Classification Process June 2021. Collection method: clinical testing. Allele origin: germline. Affected: yes.
Comment: Frameshift variant predicted to result in protein truncation or nonsense mediated decay in a gene for which loss of function is a known mechanism of disease; Not observed at significant frequency in large population cohorts (gnomAD); This variant is associated with the following publications: (PMID: 15542397, 33708531, 21031596, 31964843, 11389485)

CeGaT Center for Human Genetics Tuebingen
Classification: Pathogenic. Last evaluated: 2021-11-01. Review status: criteria provided, single submitter. Criteria: CeGaT Center For Human Genetics Tuebingen Variant Classification Criteria Version 2. Collection method: clinical testing. Allele origin: germline. Affected: yes. Observed: 1 variant allele.

Institute of Human Genetics, Univ. Regensburg, Univ. Regensburg
Classification: Pathogenic for Retinal dystrophy. Last evaluated: 2021-01-01. Review status: criteria provided, single submitter. Criteria: ACMG Guidelines, 2015. Collection method: clinical testing. Allele origin: germline. Affected: yes.

Women's Health and Genetics/Laboratory Corporation of America, LabCorp
Classification: Pathogenic for Peroxisome biogenesis disorders, Zellweger syndrome spectrum. Last evaluated: 2019-06-04. Review status: criteria provided, single submitter. Criteria: LabCorp Variant Classification Summary - May 2015. Collection method: clinical testing. Allele origin: germline.
Comment: Variant summary: PEX1 c.2730delA (p.Leu910PhefsX51) results in a premature termination codon, predicted to cause a truncation of the encoded protein or absence of the protein due to nonsense mediated decay, which are commonly known mechanisms for disease. Truncations downstream of this position have been classified as pathogenic by our laboratory (c.2916delA, p.Gly973fsX16). The variant allele was found at a frequency of 8e-06 in 250798 control chromosomes (gnomAD). The variant, c.2730delA, has been reported in the literature in multiple individuals affected with Zellweger Syndrome (Walter_2001, Ebberink_2010). These data indicate that the variant is very likely to be associated with disease. Additionally, Walter_2001 reports two homozygous patients who lacked PEX1 completely, exhibited fully developed classical ZS with no import of peroxisomal matrix proteins, strongly elevated levels of VLCFA, and almost no DHAPAT activity in fibroblasts. No clinical diagnostic laboratories have submitted clinical-significance assessments for this variant to ClinVar after 2014. Based on the evidence outlined above, the variant was classified as pathogenic.

PreventionGenetics, part of Exact Sciences
Classification: Pathogenic for PEX1-related condition. Last evaluated: 2023-12-12. Review status: no assertion criteria provided. Collection method: clinical testing. Allele origin: germline. Not counted in ClinVar's aggregate classification.
Comment: The PEX1 c.2730delA variant is predicted to result in a frameshift and premature protein termination (p.Leu910Phefs*51). This variant has been reported in the homozygous state in multiple individuals with Zellweger syndrome (Table 2, Walter et al. 2001. PubMed ID: 11389485; Table 2, Ebberink et al. 2011. PubMed ID: 21031596). This variant is reported in 0.0023% of alleles in individuals of European (non-Finnish) descent in gnomAD. Frameshift variants in PEX1 are expected to be pathogenic. This variant is interpreted as pathogenic.

Counsyl
Classification: Likely pathogenic for Zellweger syndrome. Last evaluated: 2014-09-19. Review status: no assertion criteria provided. Collection method: literature only. Allele origin: unknown. Inheritance: Autosomal recessive inheritance. Not counted in ClinVar's aggregate classification.

Literature cited by the submitters: PubMed 11389485 (cited by 5 submitters); PubMed 21031596 (cited by Labcorp Genetics (formerly Invitae), Labcorp and Women's Health and Genetics/Laboratory Corporation of America, LabCorp); PubMed 26387595 (cited by Labcorp Genetics (formerly Invitae), Labcorp); PubMed 31831025 (cited by Labcorp Genetics (formerly Invitae), Labcorp); PubMed 16141001 (cited by Labcorp Genetics (formerly Invitae), Labcorp and Women's Health and Genetics/Laboratory Corporation of America, LabCorp); PubMed 3196484 (cited by Institute of Human Genetics, Univ. Regensburg, Univ. Regensburg); PubMed 16086329 (cited by Women's Health and Genetics/Laboratory Corporation of America, LabCorp); PubMed 15542397 (cited by Women's Health and Genetics/Laboratory Corporation of America, LabCorp).

NM_000466.3(PEX1):c.2730del (p.Leu910fs)

Gene: PEX1 (peroxisomal biogenesis factor 1; minus strand). Cytogenetic location: 7q21.2.
Variant type: Deletion.
Coding change: c.2730del on transcript NM_000466.3 (MANE Select); coding-DNA position 2730, one base deleted (A; older notation c.2730delA).
Protein change: p.Leu910fs; shifts the reading frame from leucine 910.
Molecular consequence: frameshift variant.
Genome position (GRCh38, 1-based): chr7:92,496,766, T deleted on the plus strand (A on the coding strand, the reverse complement: PEX1 is on the minus strand). VCF-style (leftmost placement, unchanged base first): chr7-92496765-GT-G. GRCh37 (hg19) VCF-style: chr7-92126079-GT-G.
Other names: c.2559del, p.Leu853fs (NM_001282677.2); c.2106del, p.Leu702fs (NM_001282678.2); c.2730del (NM_000466.2); short protein forms L702fs, L853fs, L910fs.
Identifiers: ClinVar variation 188971 (VCV000188971.55), dbSNP rs61750423, ClinGen allele CA274203.